The following is an entry in ClinVar:

NM_001281503.2(SLITRK1):c.1252A>T (p.Thr418Ser)

Gene: SLITRK1 (SLIT and NTRK like family member 1; minus strand). Cytogenetic location: 13q31.1.
Variant type: single nucleotide variant.
Coding change: c.1252A>T on transcript NM_001281503.2 (MANE Select); coding-DNA position 1252, A replaced by T.
Protein change: p.Thr418Ser; replaces threonine 418 with serine.
Molecular consequence: missense variant.
Genome position (GRCh38, 1-based): chr13:83,880,256, T>A on the plus strand (A>T on the coding strand, the complement: SLITRK1 is on the minus strand). VCF-style: chr13-83880256-T-A. GRCh37 (hg19) VCF-style: chr13-84454391-T-A.
Other names: c.1252A>T, p.Thr418Ser (NM_052910.2); short protein forms T418S.
Identifiers: ClinVar variation 3038222 (VCV003038222.2), dbSNP rs150504822, ClinGen allele CA7014672.

ClinVar aggregate classification (germline): Likely benign (0 of 4 stars; one submission).

Conditions:
SLITRK1-related disorder. Also called: SLITRK1-related condition.

Allele frequency attached by ClinVar (database versions not stated): 1000 Genomes Project 30x 0.00016; 1000 Genomes Project 0.00020; TOPMed 0.00072; ESP Exome Variant Server 0.00092; ExAC 0.00121; gnomAD 0.00121; gnomAD exomes 0.00143.
gnomAD v4.1: 2,237 of 1,614,044 alleles (0.14%); highest among the groups gnomAD compares: Non-Finnish European, 0.15%; 7 homozygotes.

Submission:

PreventionGenetics, part of Exact Sciences
Classification: Likely benign for SLITRK1-related condition. Last evaluated: 2019-05-02. Review status: no assertion criteria provided. Collection method: clinical testing. Allele origin: germline.
Comment: This variant is classified as likely benign based on ACMG/AMP sequence variant interpretation guidelines (Richards et al. 2015 PMID: 25741868, with internal and published modifications).